The following is an entry in ClinVar:

NM_001291303.3(FAT4):c.7466C>T (p.Ala2489Val)

Gene: FAT4 (FAT atypical cadherin 4; plus strand). Cytogenetic location: 4q28.1.
Variant type: single nucleotide variant.
Coding change: c.7466C>T on transcript NM_001291303.3 (MANE Select); coding-DNA position 7466, C replaced by T.
Protein change: p.Ala2489Val; replaces alanine 2489 with valine.
Molecular consequence: missense variant.
Genome position (GRCh38, 1-based): chr4:125,448,476, C>T. VCF-style: chr4-125448476-C-T. GRCh37 (hg19) VCF-style: chr4-126369631-C-T.
Other names: c.7466C>T, p.Ala2489Val (NM_001291285.3); c.7460C>T, p.Ala2487Val (NM_024582.6); short protein forms A2487V, A2489V.
Identifiers: ClinVar variation 1167898 (VCV001167898.38), dbSNP rs144853732, ClinGen allele CA3073199.

ClinVar aggregate classification (germline): Benign/Likely benign. Review status: criteria provided, multiple submitters, no conflicts (2 of 4 stars). 7 submissions from 7 submitters: Benign (3); Likely benign (3). 1 of the submissions does not count toward it. Last evaluated 2026-01-24.

Conditions:
FAT4-related disorder. Also called: FAT4-related condition.
Intellectual disability. Also called: Intellectual functioning disability; intellectual disabilities; Intellectual developmental disorder. Identifiers: MedGen C3714756, MeSH D008607, MONDO:0001071, HP:0001249.

Allele frequency attached by ClinVar (database versions not stated): 1000 Genomes Project 30x 0.00172; 1000 Genomes Project 0.00220.
gnomAD v4.1: 1,140 of 1,601,518 alleles (0.071%); highest among the groups gnomAD compares: South Asian, 1.1%; 16 homozygotes.

Submissions (7):

Labcorp Genetics (formerly Invitae), Labcorp
Classification: Benign. Last evaluated: 2026-01-24. Review status: criteria provided, single submitter. Criteria: Invitae Variant Classification Sherloc (09022015). Collection method: clinical testing. Allele origin: germline.

CeGaT Center for Human Genetics Tuebingen
Classification: Benign. Last evaluated: 2025-10-01. Review status: criteria provided, single submitter. Criteria: CeGaT Center For Human Genetics Tuebingen Variant Classification Criteria Version 2. Collection method: clinical testing. Allele origin: germline. Affected: yes. Observed: 4 variant alleles.
Comment: FAT4: BS1, BS2

Blueprint Genetics
Classification: Likely benign. Last evaluated: 2024-11-26. Review status: criteria provided, single submitter. Criteria: ACMG Guidelines, 2015. Collection method: clinical testing. Allele origin: germline.

Genetic Services Laboratory, University of Chicago
Classification: Likely benign. Last evaluated: 2020-07-09. Review status: criteria provided, single submitter. Criteria: ACMG Guidelines, 2015. Collection method: clinical testing. Allele origin: germline. Affected: no.

Cambridge Genomics Laboratory, East Genomic Laboratory Hub, NHS Genomic Medicine Service
Classification: Benign for Intellectual disability. Last evaluated: 2020-03-30. Review status: criteria provided, single submitter. Criteria: ACGS Best Practice Guidelines for Variant Classification in Rare Disease 2020. Collection method: clinical testing. Allele origin: germline. Affected: yes. Observed: 1 variant allele.

GeneDx
Classification: Likely benign. Last evaluated: 2020-02-03. Review status: criteria provided, single submitter. Criteria: GeneDx Variant Classification Process June 2021. Collection method: clinical testing. Allele origin: germline. Affected: yes.
Comment: This variant is associated with the following publications: (PMID: 26489027)

PreventionGenetics, part of Exact Sciences
Classification: Likely benign for FAT4-related condition. Last evaluated: 2021-01-15. Review status: no assertion criteria provided. Collection method: clinical testing. Allele origin: germline. Not counted in ClinVar's aggregate classification.
Comment: This variant is classified as likely benign based on ACMG/AMP sequence variant interpretation guidelines (Richards et al. 2015 PMID: 25741868, with internal and published modifications).